The following is an entry in ClinVar:

NM_001829.4(CLCN3):c.1462C>T (p.Pro488Ser)

Gene: CLCN3 (chloride voltage-gated channel 3; plus strand). Cytogenetic location: 4q33.
Variant type: single nucleotide variant.
Coding change: c.1462C>T on transcript NM_001829.4 (MANE Select); coding-DNA position 1462, C replaced by T.
Protein change: p.Pro488Ser; replaces proline 488 with serine.
Molecular consequence: missense variant.
Genome position (GRCh38, 1-based): chr4:169,697,633, C>T. VCF-style: chr4-169697633-C-T. GRCh37 (hg19) VCF-style: chr4-170618784-C-T.
Other names: c.1381C>T, p.Pro461Ser (NM_001243372.2, NM_001243374.2); c.1462C>T, p.Pro488Ser (NM_173872.4); short protein forms P461S, P488S.
Identifiers: ClinVar variation 4083040 (VCV004083040.1).

ClinVar aggregate classification (germline): Uncertain significance (1 of 4 stars; one submission).

Submission:

GeneDx
Classification: Uncertain significance. Last evaluated: 2025-03-10. Review status: criteria provided, single submitter. Criteria: GeneDx Variant Classification Process June 2021. Collection method: clinical testing. Allele origin: germline. Affected: yes.
Comment: Not observed at significant frequency in large population cohorts (gnomAD); In silico analysis indicates that this missense variant does not alter protein structure/function; Has not been previously published as pathogenic or benign to our knowledge